The following is an entry in ClinVar:

NM_144670.6(A2ML1):c.3095A>C (p.Asn1032Thr)

Gene: A2ML1 (alpha-2-macroglobulin like 1; plus strand). Cytogenetic location: 12p13.31.
Variant type: single nucleotide variant.
Coding change: c.3095A>C on transcript NM_144670.6 (MANE Select); coding-DNA position 3095, A replaced by C.
Protein change: p.Asn1032Thr; replaces asparagine 1032 with threonine.
Molecular consequence: missense variant.
Genome position (GRCh38, 1-based): chr12:8,857,576, A>C. VCF-style: chr12-8857576-A-C. GRCh37 (hg19) VCF-style: chr12-9010172-A-C.
Other names: c.1622A>C, p.Asn541Thr (NM_001282424.3); short protein forms N1032T, N541T.
Identifiers: ClinVar variation 4700535 (VCV004700535.1).

ClinVar aggregate classification (germline): Uncertain significance (1 of 4 stars; one submission).

gnomAD v4.1: 3 of 1,610,786 alleles (0.00019%); highest among the groups gnomAD compares: African/African-American, 0.004%; no homozygotes.

Submission:

Labcorp Genetics (formerly Invitae), Labcorp
Classification: Uncertain significance. Last evaluated: 2025-04-02. Review status: criteria provided, single submitter. Criteria: Invitae Variant Classification Sherloc (09022015). Collection method: clinical testing. Allele origin: germline.
Comment: This sequence change replaces asparagine, which is neutral and polar, with threonine, which is neutral and polar, at codon 1032 of the A2ML1 protein (p.Asn1032Thr). This variant is present in population databases (rs774948500, gnomAD 0.01%). This variant has not been reported in the literature in individuals affected with A2ML1-related conditions. An algorithm developed to predict the effect of missense changes on protein structure and function (PolyPhen-2) suggests that this variant is likely to be tolerated. In summary, the available evidence is currently insufficient to determine the role of this variant in disease. Therefore, it has been classified as a Variant of Uncertain Significance.